The following is an entry in ClinVar:

ClinVar aggregate classification (germline): Likely benign (0 of 4 stars; one submission).

Conditions:
PLXNA2-related disorder. Also called: PLXNA2-related condition.

gnomAD v4.1: 1 of 1,614,218 alleles (0.000062%); highest among the groups gnomAD compares: Admixed American, 0.0017%; no homozygotes.

Submission:

PreventionGenetics, part of Exact Sciences
Classification: Likely benign for PLXNA2-related condition. Last evaluated: 2024-03-15. Review status: no assertion criteria provided. Collection method: clinical testing. Allele origin: germline.
Comment: This variant is classified as likely benign based on ACMG/AMP sequence variant interpretation guidelines (Richards et al. 2015 PMID: 25741868, with internal and published modifications).

NM_025179.4(PLXNA2):c.4455G>C (p.Leu1485=)

Gene: PLXNA2 (plexin A2; minus strand). Cytogenetic location: 1q32.2.
Variant type: single nucleotide variant.
Coding change: c.4455G>C on transcript NM_025179.4 (MANE Select); coding-DNA position 4455, G replaced by C.
Protein change: p.Leu1485=; no amino-acid change (leucine 1485 retained).
Molecular consequence: synonymous variant.
Genome position (GRCh38, 1-based): chr1:208,039,666, C>G on the plus strand (G>C on the coding strand, the complement: PLXNA2 is on the minus strand). VCF-style: chr1-208039666-C-G. GRCh37 (hg19) VCF-style: chr1-208213011-C-G.
Identifiers: ClinVar variation 3349172 (VCV003349172.1).